The following is an entry in ClinVar:

ClinVar aggregate classification (germline): Conflicting classifications of pathogenicity. Review status: criteria provided, conflicting classifications (1 of 4 stars). 4 submissions from 4 submitters: Uncertain significance (1); Benign (1); Likely benign (2). Last evaluated 2026-01-27.

Conditions:
Mitochondrial DNA depletion syndrome 13. Also called: FBXL4-Related Encephalomyopathic Mitochondrial DNA Depletion Syndrome; Mitochondrial DNA depletion syndrome 13 (encephalomyopathic type). Identifiers: Orphanet 369897, MedGen C3809592, MONDO:0014198, OMIM 615471.

Allele frequency attached by ClinVar (database versions not stated): 1000 Genomes Project 30x 0.00031; 1000 Genomes Project 0.00040; TOPMed 0.00049; gnomAD 0.00082 and 0.00083; ESP Exome Variant Server 0.00085; gnomAD exomes 0.00096 and 0.00114; ExAC 0.00104.
gnomAD v4.1: 1,791 of 1,610,084 alleles (0.11%); highest among the groups gnomAD compares: Non-Finnish European, 0.11%; 3 homozygotes.

Submissions (4):

Labcorp Genetics (formerly Invitae), Labcorp
Classification: Benign. Last evaluated: 2026-01-27. Review status: criteria provided, single submitter. Criteria: Invitae Variant Classification Sherloc (09022015). Collection method: clinical testing. Allele origin: germline.

Blueprint Genetics
Classification: Likely benign. Last evaluated: 2024-11-26. Review status: criteria provided, single submitter. Criteria: ACMG Guidelines, 2015. Collection method: clinical testing. Allele origin: germline.

GeneDx
Classification: Likely benign. Last evaluated: 2017-09-15. Review status: criteria provided, single submitter. Criteria: GeneDx Variant Classification (06012015). Collection method: clinical testing. Allele origin: germline. Affected: yes.
Comment: This variant is considered likely benign or benign based on one or more of the following criteria: it is a conservative change, it occurs at a poorly conserved position in the protein, it is predicted to be benign by multiple in silico algorithms, and/or has population frequency not consistent with disease.

Wong Mito Lab, Molecular and Human Genetics, Baylor College of Medicine
Classification: Uncertain significance for Mitochondrial DNA depletion syndrome 13. Last evaluated: 2017-08-10. Review status: criteria provided, single submitter. Criteria: ACMG Guidelines, 2015. Collection method: reference population. Allele origin: germline.
Comment: The NM_012160.4:c.1317+14A>G (NP_036292.2:p.=) [GRCH38: NC_000006.12:g.98899254T>C] variant in FBXL4 gene is interpretated to be a Uncertain Significance - Conflicting Evidence based on ACMG guidelines (PMID: 25741868). This variant meets one or more of the following evidence codes reported in the ACMG-guideline. PM2:This variant is absent in key population databases. BP4:Computational evidence/predictors indicate no impact on the FBXL4 structure, function, or protein-protein interaction. BP5:The variant is found in a case with alternate cuase. Based on this evidence code ClinGen Pathogenicity Calculator (PMID:28081714) suggested that the variant is Uncertain Significance - Conflicting Evidence.

NM_001278716.2(FBXL4):c.1317+14A>G

Gene: FBXL4 (F-box and leucine rich repeat protein 4; minus strand). Cytogenetic location: 6q16.1.
Variant type: single nucleotide variant.
Coding change: c.1317+14A>G on transcript NM_001278716.2 (MANE Select); 14 bases into the intron after coding-DNA position 1317, A replaced by G.
Molecular consequence: intron variant. On other transcripts: non-coding transcript variant (1).
Genome position (GRCh38, 1-based): chr6:98,899,254, T>C on the plus strand (A>G on the coding strand, the complement: FBXL4 is on the minus strand). VCF-style: chr6-98899254-T-C. GRCh37 (hg19) VCF-style: chr6-99347130-T-C.
Other names: c.1317+14A>G (NM_012160.5).
Identifiers: ClinVar variation 384777 (VCV000384777.10), dbSNP rs182139048, ClinGen allele CA3933486.
Genomic context (GRCh38, chr6:98,899,254, plus strand): 5'-TGAGCAATTACAGAAAACCAAATCTTCAGTTGGCTACCATAATAGCAATGATGAAAATTA[T>C]GAATTACTCTCACCTCTACTTTTGTTCGATAGAGAACAAGTCGTTTAAGGCTGCATAACT-3'